The following is an entry in ClinVar:

ClinVar aggregate classification (germline): Uncertain significance. Review status: criteria provided, multiple submitters, no conflicts (2 of 4 stars). 2 submissions from 2 submitters: Uncertain significance (2). Last evaluated 2025-07-15.

Submissions (2):

Labcorp Genetics (formerly Invitae), Labcorp
Classification: Uncertain significance. Last evaluated: 2025-07-15. Review status: criteria provided, single submitter. Criteria: Invitae Variant Classification Sherloc (09022015). Collection method: clinical testing. Allele origin: germline.
Comment: This sequence change replaces glycine, which is neutral and non-polar, with arginine, which is basic and polar, at codon 396 of the NR2E3 protein (p.Gly396Arg). This variant is present in population databases (rs767225225, gnomAD 0.06%). This variant has not been reported in the literature in individuals affected with NR2E3-related conditions. ClinVar contains an entry for this variant (Variation ID: 3712421). Invitae Evidence Modeling of protein sequence and biophysical properties (such as structural, functional, and spatial information, amino acid conservation, physicochemical variation, residue mobility, and thermodynamic stability) indicates that this missense variant is not expected to disrupt NR2E3 protein function with a negative predictive value of 80%. In summary, the available evidence is currently insufficient to determine the role of this variant in disease. Therefore, it has been classified as a Variant of Uncertain Significance.

Blueprint Genetics
Classification: Uncertain significance. Last evaluated: 2024-07-01. Review status: criteria provided, single submitter. Criteria: ACMG Guidelines, 2015. Collection method: clinical testing. Allele origin: germline.

NM_014249.4(NR2E3):c.1186G>A (p.Gly396Arg)

Gene: NR2E3 (nuclear receptor subfamily 2 group E member 3; plus strand). Cytogenetic location: 15q23.
Variant type: single nucleotide variant.
Coding change: c.1186G>A on transcript NM_014249.4 (MANE Select); coding-DNA position 1186, G replaced by A.
Protein change: p.Gly396Arg; replaces glycine 396 with arginine.
Molecular consequence: missense variant.
Genome position (GRCh38, 1-based): chr15:71,817,637, G>A. VCF-style: chr15-71817637-G-A. GRCh37 (hg19) VCF-style: chr15-72109978-G-A.
Other names: short protein forms G396R.
Identifiers: ClinVar variation 3712421 (VCV003712421.3).
Genomic context (GRCh38, chr15:71,817,637, plus strand): 5'-CCGTCTTTGAGGTTTATCACTGCGGAACGCATCGAGCTCCTCTTTTTCCGCAAGACCATA[G>A]GGAATACTCCAATGGAGAAGCTCCTTTGTGATATGTTCAAAAACTAGTGGGGGTGGAGGT-3'
Protein context (NP_055064.1, residues 386-406): IELLFFRKTI[Gly396Arg]NTPMEKLLCD